The following is an entry in ClinVar:

ClinVar aggregate classification (germline): Likely benign. Review status: criteria provided, multiple submitters, no conflicts (2 of 4 stars). 3 submissions from 3 submitters: Likely benign (3). Last evaluated 2025-12-01.

Conditions:
Hypertrophic cardiomyopathy. Also called: HYPERTROPHIC MYOCARDIOPATHY. Identifiers: Orphanet 217569, MedGen C0007194, MeSH D002312, MONDO:0005045, HP:0001639.
Cardiovascular phenotype. Identifiers: MedGen CN230736.

Allele frequency attached by ClinVar (database versions not stated): ExAC 0.00001; gnomAD exomes 0.00002; TOPMed 0.00002; gnomAD 0.00003 and 0.00004.
gnomAD v4.1: 29 of 1,587,410 alleles (0.0018%); highest among the groups gnomAD compares: Admixed American, 0.0034%; no homozygotes.

Submissions (3):

Labcorp Genetics (formerly Invitae), Labcorp
Classification: Likely benign for Hypertrophic cardiomyopathy. Last evaluated: 2025-12-01. Review status: criteria provided, single submitter. Criteria: Invitae Variant Classification Sherloc (09022015). Collection method: clinical testing. Allele origin: germline.

Molecular Diagnostic Laboratory for Inherited Cardiovascular Disease, Montreal Heart Institute
Classification: Likely benign. Last evaluated: 2025-07-24. Review status: criteria provided, single submitter. Criteria: ACMG Guidelines, 2015. Collection method: clinical testing. Allele origin: germline. Affected: no.
Comment: BP7

Ambry Genetics
Classification: Likely benign for Cardiovascular phenotype. Last evaluated: 2024-01-27. Review status: criteria provided, single submitter. Criteria: Ambry Variant Classification Scheme 2023. Collection method: clinical testing. Allele origin: germline.

NM_020433.5(JPH2):c.1812G>T (p.Leu604=)

Gene: JPH2 (junctophilin 2; minus strand). Cytogenetic location: 20q13.12.
Variant type: single nucleotide variant.
Coding change: c.1812G>T on transcript NM_020433.5 (MANE Select); coding-DNA position 1812, G replaced by T.
Protein change: p.Leu604=; no amino-acid change (leucine 604 retained).
Molecular consequence: synonymous variant.
Genome position (GRCh38, 1-based): chr20:44,115,863, C>A on the plus strand (G>T on the coding strand, the complement: JPH2 is on the minus strand). VCF-style: chr20-44115863-C-A. GRCh37 (hg19) VCF-style: chr20-42744503-C-A.
Other names: c.1812G>T (NM_020433.4).
Identifiers: ClinVar variation 1100289 (VCV001100289.11), dbSNP rs780290036, ClinGen allele CA9868596.
Genomic context (GRCh38, chr20:44,115,863, plus strand): 5'-GGGCTCCAGCTTGGCGGGGGTCTCGCGTGCAGGCTCGGGGCCTCGGAGCGTGGGGGCCTG[C>A]AGCGGGGCGGTGGCCGGGGACGAGGGCGCGGACTCGGACCCGGAGACCTCGGGCTCGGGC-3'
Protein context (NP_065166.2, residues 594-614): SAPSSPATAP[Leu604=]QAPTLRGPEP